The following is an entry in ClinVar:

ClinVar aggregate classification (germline): Uncertain significance (1 of 4 stars; one submission).

Conditions:
Cardiovascular phenotype. Identifiers: MedGen CN230736.

gnomAD v4.1: 1 of 1,613,566 alleles (0.000062%); highest among the groups gnomAD compares: African/African-American, 0.0013%; no homozygotes.

Submission:

Ambry Genetics
Classification: Uncertain significance for Cardiovascular phenotype. Last evaluated: 2026-05-12. Review status: criteria provided, single submitter. Criteria: Ambry Variant Classification Scheme 2023. Collection method: clinical testing. Allele origin: germline.
Comment: The p.T812I variant (also known as c.2435C>T), located in coding exon 22 of the ANK2 gene, results from a C to T substitution at nucleotide position 2435. The threonine at codon 812 is replaced by isoleucine, an amino acid with similar properties. This amino acid position is highly conserved in available vertebrate species. In addition, this alteration is predicted to be deleterious by in silico analysis. Based on the available evidence, the clinical significance of this variant remains unclear.

NM_001148.6(ANK2):c.2435C>T (p.Thr812Ile)

Gene: ANK2 (ankyrin 2; plus strand). Cytogenetic location: 4q26.
Variant type: single nucleotide variant.
Coding change: c.2435C>T on transcript NM_001148.6 (MANE Select); coding-DNA position 2435, C replaced by T.
Protein change: p.Thr812Ile; replaces threonine 812 with isoleucine.
Molecular consequence: missense variant.
Genome position (GRCh38, 1-based): chr4:113,293,498, C>T. VCF-style: chr4-113293498-C-T. GRCh37 (hg19) VCF-style: chr4-114214654-C-T.
Other names: c.2480C>T, p.Thr827Ile (NM_001386144.1, NM_001354230.2, NM_001354231.2 and 5 more transcripts); c.2348C>T, p.Thr783Ile (NM_001386146.1, NM_001354264.2, NM_001354266.2 and 10 more transcripts); c.2393C>T, p.Thr798Ile (NM_001386147.1, NM_001354261.2, NM_001386160.1); c.2423C>T, p.Thr808Ile (NM_001386148.2, NM_001386186.2); c.2372C>T, p.Thr791Ile (NM_001354255.2, NM_001354256.2, NM_001354262.2 and 10 more transcripts); c.2273C>T, p.Thr758Ile (NM_001354257.2, NM_001386156.1, NM_001354253.2 and 1 more transcripts); c.2435C>T, p.Thr812Ile (NM_001354258.2, NM_001354265.2, NM_001354225.2 and 6 more transcripts); c.2249C>T, p.Thr750Ile (NM_001354260.2, NM_001354271.2, NM_001386151.1); and 9 more; short protein forms T717I, T746I, T779I, T798I, T21I, T742I, T684I, T750I.
Identifiers: ClinVar variation 4838551 (VCV004838551.2).